The following is an entry in ClinVar:

NM_001378454.1(ALMS1):c.6577G>A (p.Glu2193Lys)

Gene: ALMS1 (ALMS1 centrosome and basal body associated protein; plus strand). Cytogenetic location: 2p13.1.
Variant type: single nucleotide variant.
Coding change: c.6577G>A on transcript NM_001378454.1 (MANE Select); coding-DNA position 6577, G replaced by A.
Protein change: p.Glu2193Lys; replaces glutamic acid 2193 with lysine.
Molecular consequence: missense variant.
Genome position (GRCh38, 1-based): chr2:73,453,104, G>A. VCF-style: chr2-73453104-G-A. GRCh37 (hg19) VCF-style: chr2-73680231-G-A.
Other names: c.6580G>A, p.Glu2194Lys (NM_015120.4); short protein forms E2194K, E2193K.
Identifiers: ClinVar variation 1372208 (VCV001372208.6), dbSNP rs911597055, ClinGen allele CA50397940.

ClinVar aggregate classification (germline): Uncertain significance. Review status: criteria provided, multiple submitters, no conflicts (2 of 4 stars). 3 submissions from 3 submitters: Uncertain significance (3). Last evaluated 2026-09-01.

Conditions:
Alstrom syndrome (ALMS). Identifiers: Orphanet 64, MedGen C0268425, MONDO:0008763, OMIM 203800.
Cardiovascular phenotype. Identifiers: MedGen CN230736.

Allele frequency attached by ClinVar (database versions not stated): gnomAD 0.00004 and 0.00003; gnomAD exomes 0.00001 and 0.00002; TOPMed 0.00002.
gnomAD v4.1: 25 of 1,613,958 alleles (0.0015%); highest among the groups gnomAD compares: Admixed American, 0.0067%; no homozygotes.

Submissions (3):

CeGaT Center for Human Genetics Tuebingen
Classification: Uncertain significance. Last evaluated: 2026-09-01. Review status: criteria provided, single submitter. Criteria: CeGaT Center For Human Genetics Tuebingen Variant Classification Criteria Version 2. Collection method: clinical testing. Allele origin: germline. Affected: yes. Observed: 1 variant allele.
Comment: ALMS1: PM2, BP4

Ambry Genetics
Classification: Uncertain significance for Cardiovascular phenotype. Last evaluated: 2025-09-08. Review status: criteria provided, single submitter. Criteria: Ambry Variant Classification Scheme 2023. Collection method: clinical testing. Allele origin: germline.
Comment: The p.E2194K variant (also known as c.6580G>A), located in coding exon 8 of the ALMS1 gene, results from a G to A substitution at nucleotide position 6580. The glutamic acid at codon 2194 is replaced by lysine, an amino acid with similar properties. This amino acid position is well conserved in available vertebrate species. In addition, the in silico prediction for this alteration is inconclusive. Based on the available evidence, the clinical significance of this variant remains unclear.

Labcorp Genetics (formerly Invitae), Labcorp
Classification: Uncertain significance for Alstrom syndrome. Last evaluated: 2023-12-07. Review status: criteria provided, single submitter. Criteria: Invitae Variant Classification Sherloc (09022015). Collection method: clinical testing. Allele origin: germline.
Comment: This sequence change replaces glutamic acid, which is acidic and polar, with lysine, which is basic and polar, at codon 2194 of the ALMS1 protein (p.Glu2194Lys). This variant is present in population databases (no rsID available, gnomAD 0.009%). This variant has not been reported in the literature in individuals affected with ALMS1-related conditions. ClinVar contains an entry for this variant (Variation ID: 1372208). Experimental studies and prediction algorithms are not available or were not evaluated, and the functional significance of this variant is currently unknown. Algorithms developed to predict the effect of sequence changes on RNA splicing suggest that this variant may create or strengthen a splice site. In summary, the available evidence is currently insufficient to determine the role of this variant in disease. Therefore, it has been classified as a Variant of Uncertain Significance.